The following is an entry in ClinVar:

NM_198282.4(STING1):c.1028T>C (p.Val343Ala)

Gene: STING1 (stimulator of interferon response cGAMP interactor 1; minus strand). Cytogenetic location: 5q31.2.
Variant type: single nucleotide variant.
Coding change: c.1028T>C on transcript NM_198282.4 (MANE Select); coding-DNA position 1028, T replaced by C.
Protein change: p.Val343Ala; replaces valine 343 with alanine.
Molecular consequence: missense variant.
Genome position (GRCh38, 1-based): chr5:139,476,373, A>G on the plus strand (T>C on the coding strand, the complement: STING1 is on the minus strand). VCF-style: chr5-139476373-A-G. GRCh37 (hg19) VCF-style: chr5-138855958-A-G.
Other names: c.841T>C, p.Trp281Arg (NM_001301738.2); c.671T>C, p.Val224Ala (NM_001367258.1); short protein forms W281R, V224A, V343A.
Identifiers: ClinVar variation 3020512 (VCV003020512.4), dbSNP rs1751659620, ClinGen allele CA361479194.
Genomic context (GRCh38, chr5:139,476,373, plus strand): 5'-AGCTCAGGCTCTTGGGACATCGTGGAGGTACTGGGCACCGCTGAGGTCTTCAAGCTGCCC[A>G]CAGTAACCTCTTCCTTTTCCTCCTGCCGCAGGTGCCGGAGAACCTCCTGGGACAGCGAGA-3'
Protein context (NP_938023.1, residues 333-353): LRQEEKEEVT[Val343Ala]GSLKTSAVPS

ClinVar aggregate classification (germline): Uncertain significance. Review status: criteria provided, multiple submitters, no conflicts (2 of 4 stars). 2 submissions from 2 submitters: Uncertain significance (2). Last evaluated 2024-08-04.

Conditions:
STING-associated vasculopathy with onset in infancy. Also called: Sting-associated vasculopathy, infantile-onset. Identifiers: Orphanet 425120, MedGen C4014722, MONDO:0014405, OMIM 615934.

Allele frequency attached by ClinVar (database versions not stated): TOPMed below 0.00001.
gnomAD v4.1: 1 of 1,612,740 alleles (0.000062%); no homozygotes.

Submissions (2):

Labcorp Genetics (formerly Invitae), Labcorp
Classification: Uncertain significance for STING-associated vasculopathy with onset in infancy. Last evaluated: 2024-08-04. Review status: criteria provided, single submitter. Criteria: Invitae Variant Classification Sherloc (09022015). Collection method: clinical testing. Allele origin: germline.
Comment: This sequence change replaces valine, which is neutral and non-polar, with alanine, which is neutral and non-polar, at codon 343 of the TMEM173 protein (p.Val343Ala). This variant is not present in population databases (gnomAD no frequency). This variant has not been reported in the literature in individuals affected with TMEM173-related conditions. An algorithm developed to predict the effect of missense changes on protein structure and function (PolyPhen-2) suggests that this variant is likely to be tolerated. In summary, the available evidence is currently insufficient to determine the role of this variant in disease. Therefore, it has been classified as a Variant of Uncertain Significance.

Blueprint Genetics
Classification: Uncertain significance. Last evaluated: 2023-04-24. Review status: criteria provided, single submitter. Criteria: ACMG Guidelines, 2015. Collection method: clinical testing. Allele origin: germline.